The following is an entry in ClinVar:

ClinVar aggregate classification (germline): Uncertain significance (1 of 4 stars; one submission).

Allele frequency attached by ClinVar (database versions not stated): gnomAD exomes below 0.00001.
gnomAD v4.1: 4 of 1,613,594 alleles (0.00025%); highest among the groups gnomAD compares: Non-Finnish European, 0.00034%; no homozygotes.

Submission:

Labcorp Genetics (formerly Invitae), Labcorp
Classification: Uncertain significance. Last evaluated: 2022-03-04. Review status: criteria provided, single submitter. Criteria: Invitae Variant Classification Sherloc (09022015). Collection method: clinical testing. Allele origin: germline.
Comment: In summary, the available evidence is currently insufficient to determine the role of this variant in disease. Therefore, it has been classified as a Variant of Uncertain Significance. Algorithms developed to predict the effect of missense changes on protein structure and function (SIFT, PolyPhen-2, Align-GVGD) all suggest that this variant is likely to be tolerated. This variant has not been reported in the literature in individuals affected with TAOK2-related conditions. This variant is not present in population databases (gnomAD no frequency). This sequence change replaces alanine, which is neutral and non-polar, with threonine, which is neutral and polar, at codon 454 of the TAOK2 protein (p.Ala454Thr).

NM_016151.4(TAOK2):c.1360G>A (p.Ala454Thr)

Gene: TAOK2 (TAO kinase 2; plus strand). Cytogenetic location: 16p11.2.
Variant type: single nucleotide variant.
Coding change: c.1360G>A on transcript NM_016151.4 (MANE Select); coding-DNA position 1360, G replaced by A.
Protein change: p.Ala454Thr; replaces alanine 454 with threonine.
Molecular consequence: missense variant.
Genome position (GRCh38, 1-based): chr16:29,983,602, G>A. VCF-style: chr16-29983602-G-A. GRCh37 (hg19) VCF-style: chr16-29994923-G-A.
Other names: c.1360G>A, p.Ala454Thr (NM_001252043.2, NM_004783.4); short protein forms A454T.
Identifiers: ClinVar variation 2106195 (VCV002106195.4), dbSNP rs993846350, ClinGen allele CA395481884.